The following is an entry in ClinVar:

NM_003001.5(SDHC):c.20+4A>G

Gene: SDHC (succinate dehydrogenase complex subunit C; plus strand). Cytogenetic location: 1q23.3.
Variant type: single nucleotide variant.
Coding change: c.20+4A>G on transcript NM_003001.5 (MANE Select); 4 bases into the intron after coding-DNA position 20, A replaced by G.
Molecular consequence: intron variant. On other transcripts: 5 prime UTR variant (1).
Genome position (GRCh38, 1-based): chr1:161,314,429, A>G. VCF-style: chr1-161314429-A-G. GRCh37 (hg19) VCF-style: chr1-161284219-A-G.
Other names: c.-537A>G (NM_001407119.1); c.-210+4A>G (NM_001407120.1); c.20+4A>G (NM_001407115.1, NM_001035511.3, NM_001035512.3 and 7 more transcripts).
Identifiers: ClinVar variation 2118305 (VCV002118305.6), dbSNP rs2526274969, ClinGen allele CA2580061299.

ClinVar aggregate classification (germline): Uncertain significance. Review status: criteria provided, multiple submitters, no conflicts (2 of 4 stars). 2 submissions from 2 submitters: Uncertain significance (2). Last evaluated 2025-01-21.

Conditions:
Hereditary cancer-predisposing syndrome. Also called: Hereditary Cancer Syndrome; Hereditary neoplastic syndrome; Neoplastic Syndromes, Hereditary; Tumor predisposition. Identifiers: Orphanet 140162, MedGen C0027672, MeSH D009386, MONDO:0015356.
Pheochromocytoma/paraganglioma syndrome 3. Also called: GLOMUS TUMORS, FAMILIAL, 3; SDHC-Related Hereditary Paraganglioma-Pheochromocytoma Syndrome (Paragangliomas 3); SDHC-Related Hereditary Paraganglioma-Pheochromocytoma Syndrome; Paragangliomas 3. Identifiers: Orphanet 29072, MedGen C1854336, MONDO:0011544, OMIM 605373.
Gastrointestinal stromal tumor. Also called: Gastrointestinal stroma tumor; Gastrointestinal stromal tumor, somatic. Identifiers: Orphanet 44890, MedGen C0238198, MeSH D046152, MONDO:0011719, OMIM 606764, HP:0100723.

Submissions (2):

Ambry Genetics
Classification: Uncertain significance for Hereditary cancer-predisposing syndrome. Last evaluated: 2025-01-21. Review status: criteria provided, single submitter. Criteria: Ambry Variant Classification Scheme 2023. Collection method: clinical testing. Allele origin: germline.
Comment: The c.20+4A>G intronic variant results from an A to G substitution 4 nucleotides after coding exon 1 in the SDHC gene. This nucleotide position is highly conserved in available vertebrate species. In silico splice site analysis predicts that this alteration may weaken the native splice donor site; however, direct evidence is insufficient at this time (Ambry internal data). Based on the available evidence, the clinical significance of this variant remains unclear.

Labcorp Genetics (formerly Invitae), Labcorp
Classification: Uncertain significance for Pheochromocytoma/paraganglioma syndrome 3; Gastrointestinal stromal tumor. Last evaluated: 2022-10-13. Review status: criteria provided, single submitter. Criteria: Invitae Variant Classification Sherloc (09022015). Collection method: clinical testing. Allele origin: germline.
Comment: This variant is not present in population databases (gnomAD no frequency). This sequence change falls in intron 1 of the SDHC gene. It does not directly change the encoded amino acid sequence of the SDHC protein. It affects a nucleotide within the consensus splice site. This variant has not been reported in the literature in individuals affected with SDHC-related conditions. In summary, the available evidence is currently insufficient to determine the role of this variant in disease. Therefore, it has been classified as a Variant of Uncertain Significance. Variants that disrupt the consensus splice site are a relatively common cause of aberrant splicing (PMID: 17576681, 9536098). Algorithms developed to predict the effect of sequence changes on RNA splicing suggest that this variant may disrupt the consensus splice site.

Literature cited by the submitters: PubMed 17576681 (cited by Labcorp Genetics (formerly Invitae), Labcorp); PubMed 9536098 (cited by Labcorp Genetics (formerly Invitae), Labcorp).